The following is an entry in ClinVar:

ClinVar aggregate classification (germline): Likely benign. Review status: criteria provided, multiple submitters, no conflicts (2 of 4 stars). 3 submissions from 3 submitters: Likely benign (3). Last evaluated 2025-12-01.

Submissions (3):

CeGaT Center for Human Genetics Tuebingen
Classification: Likely benign. Last evaluated: 2025-12-01. Review status: criteria provided, single submitter. Criteria: CeGaT Center For Human Genetics Tuebingen Variant Classification Criteria Version 2. Collection method: clinical testing. Allele origin: germline. Affected: yes. Observed: 3 variant alleles.
Comment: HCN2: PM4:Supporting, BS2

Blueprint Genetics
Classification: Likely benign. Last evaluated: 2024-11-18. Review status: criteria provided, single submitter. Criteria: ACMG Guidelines, 2015. Collection method: clinical testing. Allele origin: germline.

Labcorp Genetics (formerly Invitae), Labcorp
Classification: Likely benign. Last evaluated: 2019-12-31. Review status: criteria provided, single submitter. Criteria: Invitae Variant Classification Sherloc (09022015). Collection method: clinical testing. Allele origin: germline.

NM_001194.4(HCN2):c.2144CGC[8] (p.Pro721dup)

Gene: HCN2 (hyperpolarization activated cyclic nucleotide gated potassium and sodium channel 2; plus strand). Cytogenetic location: 19p13.3.
Variant type: Microsatellite.
Coding change: c.2144CGC[8] on transcript NM_001194.4 (MANE Select); eight copies in a row of the 3-base unit CGC starting at c.2144; the reference has seven copies in a row; one copy, 3 bases duplicated; also written c.2162_2164dup.
Protein change: p.Pro721dup; duplicates proline 721.
Molecular consequence: inframe insertion.
Genome position (GRCh38, 1-based): chr19:615,966-615,968, CGC duplicated; duplicating any 3 consecutive bases within chr19:615,947-615,968 gives the same sequence; the position shown is the placement nearest the transcript's 3' end. VCF-style (leftmost placement, unchanged base first): chr19-615946-C-CCCG. GRCh37 (hg19) VCF-style: chr19-615946-C-CCCG.
Other names: c.2162_2164dup (NM_001194.3).
Identifiers: ClinVar variation 786662 (VCV000786662.15), dbSNP rs527536363, ClinGen allele CA9018840.